The following is an entry in ClinVar:

NM_016630.7(SPG21):c.50T>G (p.Val17Gly)

Gene: SPG21 (SPG21 abhydrolase domain containing, maspardin; minus strand). Cytogenetic location: 15q22.31.
Variant type: single nucleotide variant.
Coding change: c.50T>G on transcript NM_016630.7 (MANE Select); coding-DNA position 50, T replaced by G.
Protein change: p.Val17Gly; replaces valine 17 with glycine.
Molecular consequence: missense variant.
Genome position (GRCh38, 1-based): chr15:64,983,520, A>C on the plus strand (T>G on the coding strand, the complement: SPG21 is on the minus strand). VCF-style: chr15-64983520-A-C. GRCh37 (hg19) VCF-style: chr15-65275858-A-C.
Other names: c.50T>G, p.Val17Gly (NM_001127889.5, NM_001127890.5); short protein forms V17G.
Identifiers: ClinVar variation 3068703 (VCV003068703.1), dbSNP rs2506129311, ClinGen allele CA392877460.

ClinVar aggregate classification (germline): Uncertain significance (1 of 4 stars; one submission).

Conditions:
Mast syndrome. Also called: SPASTIC PARAPLEGIA 21, AUTOSOMAL RECESSIVE. Identifiers: Orphanet 101001, MedGen C1855346, MONDO:0009568, OMIM 248900.

Submission:

Molecular Genetics, Royal Melbourne Hospital
Classification: Uncertain significance for Mast syndrome. Last evaluated: 2023-11-05. Review status: criteria provided, single submitter. Criteria: ACMG Guidelines, 2015. Collection method: clinical testing. Allele origin: germline. Inheritance: Autosomal recessive inheritance.
Comment: This sequence change in SPG21 is predicted to replace valine with glycine at codon 17, p.(Val17Gly). The valine residue is highly conserved (100 vertebrates, UCSC), and is not located in an annotated domain. There is a large physicochemical difference between valine and glycine. This variant is absent from the population database gnomAD v2.1 and v3.1. To our knowledge, this variant is novel and has not been previously reported in the relevant scientific literature or databases. Computational evidence predicts a deleterious effect for the missense substitution (REVEL = 0.708). Based on the classification scheme RMH Modified ACMG/AMP Guidelines v1.6.1, this variant is classified as a VARIANT OF UNCERTAIN SIGNIFICANCE. Following criteria are met: PM2_Supporting, PP3.